The following continues an entry in ClinVar:

NM_000492.4(CFTR):c.3302T>A (p.Met1101Lys)

ClinVar aggregate classification (germline): Pathogenic. Pathogenic (1).

Submissions 14 to 20 of 20:

ARUP Laboratories, Molecular Genetics and Genomics, ARUP Laboratories
Classification: Pathogenic. Last evaluated: 2017-11-24. Review status: criteria provided, single submitter. Criteria: ARUP Molecular Germline Variant Investigation Process. Collection method: clinical testing. Allele origin: germline. Not counted in ClinVar's aggregate classification.
Comment: The CFTR c.3302T>A, p.Met1101Lys variant (rs36210737) has been reported in multiple individuals diagnosed with cystic fibrosis, and either found homozygously or in-trans with another pathogenic variant (Ooi 2012, Sosnay 2013, Stanke 2008, Stuhrmann 1997, Zielenski 1993, CFTR2 database). Functional characterization of the variant indicates impairment in CFTR protein maturation, resulting in an absence of chloride transport activity (Seibert 1996, Sosnay 2013, Van Goor 2014). The variant is listed as pathogenic in ClinVar (Variation ID: 39516), and observed 4 times in the Genome Aggregation Database general population database (4/245882 alleles). The methionine at position 1101 is moderately conserved, and computational algorithms (Mutation Taster, PolyPhen-2, SIFT) predict that the variant has an impact on CFTR protein structure or function. Based on the above information, the p.Met1101Lys variant is classified as moderately pathogenic. References: CFTR2 databsae: Ooi C. et al. Cystic fibrosis transmembrane conductance regulator (CFTR) gene mutations in pancreatitis. J Cyst Fibros. 2012; 11(5):355-62. Seibert F et al. Disease-associated mutations in the fourth cytoplasmic loop of cystic fibrosis transmembrane conductance regulator compromise biosynthetic processing and chloride channel activity. J Biol Chem. 1996; 271(25):15139-45. Sosnay PR et al. Defining the disease liability of variants in the cystic fibrosis transmembrane conductance regulator gene. Nat Genet. 2013; 45(10):1160-7. Stanke F et al. Diversity of the basic defect of homozygous CFTR mutation genotypes in humans. J Med Genet. 2008; 45(1):47-54. Stuhrmann M et al. Detection of 100 percent of the CFTR mutations in 63 CF families from Tyrol. Clin Genet. 1997; 52(4):240-6. Zielenski J et al. Identification of the M1101K mutation in the cystic fibrosis transmembrane conductance regulator (CFTR) gene and complete detection of cystic fibrosis mutations in the Hutterite population. Am J Hum Genet. 1993; 52(3):609-15.

Eurofins Ntd Llc (ga)
Classification: Pathogenic. Last evaluated: 2017-04-12. Review status: criteria provided, single submitter. Criteria: EGL Classification Definitions. Collection method: clinical testing. Allele origin: germline. Observed: 2 variant alleles, 2 heterozygotes. Not counted in ClinVar's aggregate classification.

Baylor Genetics
Classification: Pathogenic for Congenital bilateral aplasia of vas deferens from CFTR mutation; Cystic fibrosis. Review status: criteria provided, single submitter. Criteria: ACMG Guidelines, 2015. Collection method: clinical testing. Allele origin: germline. Not counted in ClinVar's aggregate classification.

Clinical Genetics Service, Universitary Hospital 12 de Octubre
Classification: Pathogenic for Cystic fibrosis. Review status: criteria provided, single submitter. Criteria: ACMG Guidelines, 2015. Collection method: clinical testing. Allele origin: paternal. Affected: yes. Not counted in ClinVar's aggregate classification.

OMIM
Classification: Pathogenic for CYSTIC FIBROSIS. Last evaluated: 2012-10-05. Review status: no assertion criteria provided. Collection method: literature only. Allele origin: germline. Not counted in ClinVar's aggregate classification.

Diagnostic Laboratory, Department of Genetics, University Medical Center Groningen
Classification: Pathogenic. Review status: no assertion criteria provided. Collection method: clinical testing. Allele origin: germline. Affected: yes. Study: VKGL Data-share Consensus. Not counted in ClinVar's aggregate classification.

Joint Genome Diagnostic Labs from Nijmegen and Maastricht, Radboudumc and MUMC+
Classification: Pathogenic. Review status: no assertion criteria provided. Collection method: clinical testing. Allele origin: germline. Affected: yes. Study: VKGL Data-share Consensus. Not counted in ClinVar's aggregate classification.

Literature cited by the submitters: PubMed 7680525 (cited by Labcorp Genetics (formerly Invitae), Labcorp and Myriad Genetics, Inc.); PubMed 9383031 (cited by 3 submitters); PubMed 9439669 (cited by Labcorp Genetics (formerly Invitae), Labcorp); PubMed 10439967 (cited by Labcorp Genetics (formerly Invitae), Labcorp and Women's Health and Genetics/Laboratory Corporation of America, LabCorp); PubMed 17901983 (cited by Labcorp Genetics (formerly Invitae), Labcorp); PubMed 22981120 (cited by 4 submitters); PubMed 23974870 (cited by 3 submitters); PubMed 30888834 (cited by Natera, Inc.); PubMed 18178635 (cited by Ambry Genetics); PubMed 18456578 (cited by Myriad Genetics, Inc.); PubMed 11055897 (cited by Women's Health and Genetics/Laboratory Corporation of America, LabCorp); PubMed 10923036 (cited by Women's Health and Genetics/Laboratory Corporation of America, LabCorp); PubMed 11781704 (cited by Women's Health and Genetics/Laboratory Corporation of America, LabCorp); PubMed 7689008 (cited by Women's Health and Genetics/Laboratory Corporation of America, LabCorp); PubMed 11388756 (cited by Women's Health and Genetics/Laboratory Corporation of America, LabCorp); PubMed 22043142 (cited by Women's Health and Genetics/Laboratory Corporation of America, LabCorp); PubMed 8662892 (cited by Women's Health and Genetics/Laboratory Corporation of America, LabCorp); PubMed 15480987 (cited by Women's Health and Genetics/Laboratory Corporation of America, LabCorp).